The following is an entry in ClinVar:

ClinVar aggregate classification (germline): Uncertain significance (1 of 4 stars; one submission).

Submission:

CeGaT Center for Human Genetics Tuebingen
Classification: Uncertain significance. Last evaluated: 2025-11-01. Review status: criteria provided, single submitter. Criteria: CeGaT Center For Human Genetics Tuebingen Variant Classification Criteria Version 2. Collection method: clinical testing. Allele origin: germline. Affected: yes. Observed: 1 variant allele.
Comment: FAR1: PM2

NM_032228.6(FAR1):c.328C>T (p.His110Tyr)

Gene: FAR1 (fatty acyl-CoA reductase 1; plus strand). Cytogenetic location: 11p15.3.
Variant type: single nucleotide variant.
Coding change: c.328C>T on transcript NM_032228.6 (MANE Select); coding-DNA position 328, C replaced by T.
Protein change: p.His110Tyr; replaces histidine 110 with tyrosine.
Molecular consequence: missense variant.
Genome position (GRCh38, 1-based): chr11:13,700,455, C>T. VCF-style: chr11-13700455-C-T. GRCh37 (hg19) VCF-style: chr11-13722002-C-T.
Other names: c.328C>T, p.His110Tyr (NM_001441242.1, NM_001441243.1, NM_001441244.1 and 6 more transcripts); short protein forms H110Y.
Identifiers: ClinVar variation 4535334 (VCV004535334.6).
Genomic context (GRCh38, chr11:13,700,455, plus strand): 5'-AAACTGGCTCTCAGTGAAGAAGATAAAGAGGTGATCATAGATTCTACCAATATTATATTC[C>T]ACTGTGCAGCTACAGTAAGGTTTAATGAAAATTTAAGGTAAGTACAAGTAATTATATAAT-3'
Protein context (NP_115604.1, residues 100-120): VIIDSTNIIF[His110Tyr]CAATVRFNEN